The following is an entry in ClinVar:

NM_006648.4(WNK2):c.277C>G (p.Pro93Ala)

Gene: WNK2 (WNK lysine deficient protein kinase 2; plus strand). Cytogenetic location: 9q22.31.
Variant type: single nucleotide variant.
Coding change: c.277C>G on transcript NM_006648.4 (MANE Select); coding-DNA position 277, C replaced by G.
Protein change: p.Pro93Ala; replaces proline 93 with alanine.
Molecular consequence: missense variant.
Genome position (GRCh38, 1-based): chr9:93,185,206, C>G. VCF-style: chr9-93185206-C-G. GRCh37 (hg19) VCF-style: chr9-95947488-C-G.
Other names: c.277C>G, p.Pro93Ala (NM_001282394.3); short protein forms P93A.
Identifiers: ClinVar variation 3981705 (VCV003981705.1).
Genomic context (GRCh38, chr9:93,185,206, plus strand): 5'-CGCCGGGTGCTTCTGCTCTGCAAGACGCGCCGCCTCATCGCGGAGCGCGCCCGCGGACGC[C>G]CCGCCGCCCCCGCGCCCGCAGCGCTGGTAGCGCAGCCGGGAGCCCCCGGAGCCCCCGCGG-3'
Protein context (NP_006639.3, residues 83-103): RLIAERARGR[Pro93Ala]AAPAPAALVA

ClinVar aggregate classification (germline): Uncertain significance (1 of 4 stars; one submission).

gnomAD v4.1: 1 of 1,158,526 alleles (0.000086%); no homozygotes.

Submission:

Ambry Genetics
Classification: Uncertain significance. Last evaluated: 2025-03-24. Review status: criteria provided, single submitter. Criteria: Ambry Variant Classification Scheme 2023. Collection method: clinical testing. Allele origin: germline.
Comment: The p.P93A variant (also known as c.277C>G), located in coding exon 1 of the WNK2 gene, results from a C to G substitution at nucleotide position 277. The proline at codon 93 is replaced by alanine, an amino acid with highly similar properties. This amino acid position is conserved. In addition, this alteration is predicted to be tolerated by in silico analysis. Based on the available evidence, the clinical significance of this variant remains unclear.